The following is an entry in ClinVar:

NM_001278689.2(EOGT):c.1335-1G>A

Gene: EOGT (EGF domain specific O-linked N-acetylglucosamine transferase; minus strand). Cytogenetic location: 3p14.1.
Variant type: single nucleotide variant.
Coding change: c.1335-1G>A on transcript NM_001278689.2 (MANE Select); the canonical splice acceptor site of the intron before coding-DNA position 1335, G replaced by A.
Molecular consequence: splice acceptor variant.
Genome position (GRCh38, 1-based): chr3:68,978,436, C>T on the plus strand (G>A on the coding strand, the complement: EOGT is on the minus strand). VCF-style: chr3-68978436-C-T. GRCh37 (hg19) VCF-style: chr3-69027587-C-T.
Other names: NC_000003.11:g.69027587C>T; c.1083-1G>A (NM_173654.3).
Identifiers: ClinVar variation 523612 (VCV000523612.3), dbSNP rs185181819, ClinGen allele CA2486624.
Genomic context (GRCh38, chr3:68,978,436, plus strand): 5'-TAGTGAACGCCTCTCAGCCTGGCCAAGTCTAAGTAACAGCGTTCATCTTCACAGTTGTAC[C>T]TAAGGACACAAGGGTGTCACAACATGAGGCTTTTGTCCAAGGTTTTTTCCAAATCAACAA-3'

ClinVar aggregate classification (germline): Pathogenic/Likely pathogenic. Review status: criteria provided, multiple submitters, no conflicts (2 of 4 stars). 2 submissions from 2 submitters: Pathogenic (1); Likely pathogenic (1). Last evaluated 2024-05-22.

Conditions:
EOGT-related disorder. Also called: EOGT-related condition.
Adams-Oliver syndrome 4 (AOS4). Identifiers: Orphanet 974, MedGen C3809092, MONDO:0014124, OMIM 615297.

Allele frequency attached by ClinVar (database versions not stated): ExAC 0.00002; gnomAD exomes 0.00002 and 0.00008; TOPMed 0.00003; gnomAD 0.00006; 1000 Genomes Project 0.00020; 1000 Genomes Project 30x 0.00031.
gnomAD v4.1: 125 of 1,597,334 alleles (0.0078%); highest among the groups gnomAD compares: Non-Finnish European, 0.01%; no homozygotes.

Submissions (3):

Blueprint Genetics
Classification: Likely pathogenic for EOGT-related disorders. Last evaluated: 2024-05-22. Review status: criteria provided, single submitter. Criteria: ACMG Guidelines, 2015. Collection method: clinical testing. Allele origin: germline. Affected: yes. Observed: 2 variant alleles.

Centre of Medical Genetics, University of Antwerp
Classification: Pathogenic for Adams-Oliver syndrome 4. Last evaluated: 2017-12-01. Review status: criteria provided, single submitter. Criteria: Criteria for classifying variants, Center of Medical Genetics Antwerp, 2018. Collection method: research. Allele origin: inherited. Inheritance: Autosomal recessive inheritance. Affected: yes.
Comment: Found in a compound heterozgyosity with NM_001278689.1:c.78_81delTCAC.

Dr. Peter K. Rogan Lab, Western University
No classification provided (evidence only). Condition: Familial cancer of breast. Review status: no classification provided. Collection method: in vitro. Allele origin: not applicable. Functional consequence: retained intron. Not counted in ClinVar's aggregate classification.